The following is an entry in ClinVar:

ClinVar aggregate classification (germline): Uncertain significance. Review status: criteria provided, multiple submitters, no conflicts (2 of 4 stars). 2 submissions from 2 submitters: Uncertain significance (2). Last evaluated 2025-07-18.

Conditions:
Creatine transporter deficiency (CCDS1). Also called: CEREBRAL CREATINE DEFICIENCY SYNDROME 1; Creatine Transporter (CRTR) Deficiency; Mental retardation , X-linked with seizures, short stature and midface hypoplasia; Mental retardation , X-linked, with creatine transport deficiency; X-linked creatine transporter deficiency; X-linked creatine deficiency syndrome. Identifiers: Orphanet 52503, MedGen C1845862, MONDO:0010305, OMIM 300352.

Submissions (2):

Women's Health and Genetics/Laboratory Corporation of America, LabCorp
Classification: Uncertain significance. Last evaluated: 2025-07-18. Review status: criteria provided, single submitter. Criteria: LabCorp Variant Classification Summary - May 2015. Collection method: clinical testing. Allele origin: germline.
Comment: Variant summary: SLC6A8 c.1439G>A (p.Gly480Asp) results in a non-conservative amino acid change in the encoded protein sequence. Algorithms developed to predict the effect of missense changes on protein structure and function all suggest that this variant is likely to be disruptive. The variant was absent in 183018 control chromosomes. The available data on variant occurrences in the general population are insufficient to allow any conclusion about variant significance. To our knowledge, no occurrence of c.1439G>A in individuals affected with Creatine Deficiency, X-Linked and no experimental evidence demonstrating its impact on protein function have been reported. ClinVar contains an entry for this variant (Variation ID: 2879949). Based on the evidence outlined above, the variant was classified as uncertain significance.

Labcorp Genetics (formerly Invitae), Labcorp
Classification: Uncertain significance for Creatine transporter deficiency. Last evaluated: 2023-06-22. Review status: criteria provided, single submitter. Criteria: Invitae Variant Classification Sherloc (09022015). Collection method: clinical testing. Allele origin: germline.
Comment: Advanced modeling of protein sequence and biophysical properties (such as structural, functional, and spatial information, amino acid conservation, physicochemical variation, residue mobility, and thermodynamic stability) has been performed at Invitae for this missense variant, however the output from this modeling did not meet the statistical confidence thresholds required to predict the impact of this variant on SLC6A8 protein function. In summary, the available evidence is currently insufficient to determine the role of this variant in disease. Therefore, it has been classified as a Variant of Uncertain Significance. This variant has not been reported in the literature in individuals affected with SLC6A8-related conditions. This sequence change replaces glycine, which is neutral and non-polar, with aspartic acid, which is acidic and polar, at codon 480 of the SLC6A8 protein (p.Gly480Asp). This variant is not present in population databases (gnomAD no frequency).

NM_005629.4(SLC6A8):c.1439G>A (p.Gly480Asp)

Gene: SLC6A8 (solute carrier family 6 member 8; plus strand). Cytogenetic location: Xq28.
Variant type: single nucleotide variant.
Coding change: c.1439G>A on transcript NM_005629.4 (MANE Select); coding-DNA position 1439, G replaced by A.
Protein change: p.Gly480Asp; replaces glycine 480 with aspartic acid.
Molecular consequence: missense variant.
Genome position (GRCh38, 1-based): chrX:153,694,390, G>A. VCF-style: chrX-153694390-G-A. GRCh37 (hg19) VCF-style: chrX-152959845-G-A.
Other names: c.1409G>A, p.Gly470Asp (NM_001142805.2); c.1094G>A, p.Gly365Asp (NM_001142806.1); short protein forms G365D, G470D, G480D.
Identifiers: ClinVar variation 2879949 (VCV002879949.4), dbSNP rs2522167491, ClinGen allele CA415087563.